The following is an entry in ClinVar:

NM_000059.4(BRCA2):c.7879A>T (p.Ile2627Phe)

Gene: BRCA2 (BRCA2 DNA repair associated; plus strand). Cytogenetic location: 13q13.1.
Variant type: single nucleotide variant.
Coding change: c.7879A>T on transcript NM_000059.4 (MANE Select); coding-DNA position 7879, A replaced by T.
Protein change: p.Ile2627Phe; replaces isoleucine 2627 with phenylalanine.
Molecular consequence: missense variant.
Genome position (GRCh38, 1-based): chr13:32,362,596, A>T. VCF-style: chr13-32362596-A-T. GRCh37 (hg19) VCF-style: chr13-32936733-A-T.
Other names: NM_000059.4(BRCA2):c.7879A>T; 8107A>T; short protein forms I2627F.
Identifiers: ClinVar variation 52430 (VCV000052430.106), dbSNP rs80359014, ClinGen allele CA025321.

ClinVar aggregate classification (germline): Pathogenic. Review status: reviewed by expert panel (3 of 4 stars). 31 submissions from 29 submitters: Pathogenic (1). 30 of the submissions do not count toward it. Last evaluated 2024-06-11.

Conditions:
Inherited breast cancer and ovarian cancer.
BRCA2-related cancer predisposition. Identifiers: MedGen CN377758, MONDO:0700269.
BRCA2-related disorder. Also called: BRCA2-related condition; BRCA2-related disorders. Identifiers: MedGen CN239275.
Pancreatic cancer, susceptibility to, 2. Identifiers: Orphanet 1333, MedGen C3150546, MONDO:0013235, OMIM 613347.
Glioma susceptibility 3 (GLM3). Also called: Glioblastoma 3. Identifiers: Orphanet 182067, Orphanet 360, MedGen C2751641, MONDO:0013093, OMIM 613029.
Familial prostate cancer. Also called: Hereditary Prostate Cancer. Identifiers: MedGen C2931456, MONDO:0700275, OMIM 176807.
Breast-ovarian cancer, familial, susceptibility to, 2 (BROVCA2). Also called: BRCA2 Hereditary Breast and Ovarian Cancer. Identifiers: Orphanet 145, MedGen C2675520, MONDO:0012933, OMIM 612555. Disease mechanism: loss of function.
Fanconi anemia complementation group D1. Also called: BRCA2-Related Fanconi Anemia. Identifiers: Orphanet 319462, MedGen C1838457, MONDO:0011584, OMIM 605724.
Medulloblastoma (MDB). Also called: Medulloblastoma, somatic; MEDULLOBLASTOMA PREDISPOSITION SYNDROME. Identifiers: Orphanet 616, MedGen C0025149, MeSH D008527, MONDO:0007959, OMIM 155255, HP:0002885.
Wilms tumor 1 (WT1). Also called: Wilms tumor, somatic. Identifiers: Orphanet 654, MedGen CN033288, MONDO:0008679, OMIM 194070.
Familial cancer of breast. Also called: BREAST CANCER, FAMILIAL; hereditary breast carcinoma; Hereditary breast cancer. Identifiers: Orphanet 227535, MedGen C0346153, MONDO:0016419, OMIM 114480. Disease mechanism: loss of function.
Prostate cancer. Also called: Malignant tumor of prostate. Identifiers: Orphanet 1331, MedGen C0376358, MONDO:0008315, HP:0012125.
Hereditary cancer-predisposing syndrome. Also called: Neoplastic Syndromes, Hereditary; Tumor predisposition; Hereditary Cancer Syndrome; Hereditary neoplastic syndrome. Identifiers: Orphanet 140162, MedGen C0027672, MeSH D009386, MONDO:0015356.
Hereditary breast ovarian cancer syndrome. Also called: Breast and ovarian cancer; Hereditary breast and ovarian cancer; Hereditary breast and ovarian cancer syndrome (HBOC); Hereditary breast and ovarian cancer syndrome; BRCA1- and BRCA2-Associated Hereditary Breast and Ovarian Cancer; Hereditary breast and/or ovarian cancer syndrome. Identifiers: Orphanet 145, MedGen C0677776, MeSH D061325, MONDO:0003582. Disease mechanism: loss of function.

Allele frequency attached by ClinVar (database versions not stated): gnomAD exomes 0.00001.
gnomAD v4.1: 4 of 1,614,168 alleles (0.00025%); highest among the groups gnomAD compares: Non-Finnish European, 0.00034%; no homozygotes.

Submissions 1 to 6 of 31:

ClinGen ENIGMA BRCA1 and BRCA2 Variant Curation Expert Panel, ClinGen
Classification: Pathogenic for BRCA2-related cancer predisposition. Last evaluated: 2024-06-11. Review status: reviewed by expert panel. Criteria: CSpec BRCA1/2ACMG Rules Specifications V1.0. Collection method: curation. Allele origin: germline. Inheritance: Autosomal dominant inheritance.
Comment: The c.7879A>T variant in BRCA2 is a missense variant predicted to cause substitution of Isoleucine by Phenylalanine at amino acid 2627 (p.Ile2627Phe). This variant is absent from gnomAD v2.1 (exomes only, non-cancer subset, read depth >=25) and gnomAD v3.1 (non-cancer subset, read depth >=25) (PM2_Supporting met). This BRCA2 missense variant is within a key functional domain and the computational predictor BayesDel (noAF) gives a score of 0.25 indicating that impact on BRCA2 function via protein change is unclear (score range 0.18-0.30). SpliceAI predictor score of 0.00 suggests that the variant has no impact on splicing (score threshold <0.10) (no bioinformatic code is applied). Reported by three calibrated studies to exhibit protein function similar to pathogenic control variants (PMIDs: 29988080, 33609447, 32444794) (PS3 met). Multifactorial likelihood ratio analysis using clinically calibrated data produced a combined LR for this variant of 406 (based on Cosegregation LR=1.88; Co-occurrence LR=1.28; Family History LR=168.6), above the threshold for Very strong evidence towards pathogenicity (LR >350) (PP4_Very strong met; PMID: 17924331, 31853058). In summary, this variant meets the criteria to be classified as a Pathogenic variant for BRCA2-related cancer predisposition based on the ACMG/AMP criteria applied as specified by the ENIGMA BRCA1/2 VCEP (PM2_Supporting, PP4_Very strong, PS3).

Institute of Human Genetics, University of Leipzig Medical Center
Classification: Pathogenic for Breast-ovarian cancer, familial, susceptibility to, 2. Last evaluated: 2026-08-05. Review status: criteria provided, single submitter. Criteria: ACMG Guidelines, 2015. Collection method: clinical testing. Allele origin: unknown. Inheritance: Autosomal dominant inheritance. Affected: yes. Not counted in ClinVar's aggregate classification.
Comment: Criteria applied: PP4_VSTR,PS3,PM2_SUP

NHS Central & South Genomic Laboratory Hub
Classification: Likely pathogenic for Inherited breast cancer and ovarian cancer. Last evaluated: 2026-02-26. Review status: criteria provided, single submitter. Criteria: ACMG Guidelines, 2015. Collection method: clinical testing. Allele origin: germline. Affected: yes. Not counted in ClinVar's aggregate classification.

Labcorp Genetics (formerly Invitae), Labcorp
Classification: Pathogenic for Hereditary breast ovarian cancer syndrome. Last evaluated: 2025-11-22. Review status: criteria provided, single submitter. Criteria: Invitae Variant Classification Sherloc (09022015). Collection method: clinical testing. Allele origin: germline. Not counted in ClinVar's aggregate classification.
Comment: This sequence change replaces isoleucine, which is neutral and non-polar, with phenylalanine, which is neutral and non-polar, at codon 2627 of the BRCA2 protein (p.Ile2627Phe). This variant is not present in population databases (gnomAD no frequency). This missense change has been observed in individual(s) with breast and/or ovarian cancer and prostate cancer (PMID: 10699917, 20104584, 20383589, 21232165, 25452441, 29335924, 29368341). This variant is also known as 8107A>T. ClinVar contains an entry for this variant (Variation ID: 52430). Invitae Evidence Modeling incorporating data from in vitro experimental studies (PMID: 33609447) indicates that this missense variant is expected to disrupt BRCA2 function with a positive predictive value of 95%. Experimental studies have shown that this missense change affects BRCA2 function (PMID: 18451181, 23108138, 25146914, 29394989, 29884841). For these reasons, this variant has been classified as Pathogenic.

Institute of Human Genetics, University of Leipzig Medical Center
Classification: Pathogenic for Familial cancer of breast. Last evaluated: 2025-08-29. Review status: criteria provided, single submitter. Criteria: ACMG Guidelines, 2015. Collection method: clinical testing. Allele origin: unknown. Inheritance: Autosomal dominant inheritance. Affected: yes. Not counted in ClinVar's aggregate classification.
Comment: the same text as in the submission from Institute of Human Genetics, University of Leipzig Medical Center above.

Genetic Services Laboratory, University of Chicago
Classification: Pathogenic. Last evaluated: 2025-04-07. Review status: criteria provided, single submitter. Criteria: ACMG Guidelines, 2015. Collection method: clinical testing. Allele origin: germline. Not counted in ClinVar's aggregate classification.
Comment: The c.7879A>T variant: Results in an amino acid change, p.Ile2627Phe. Affects a highly conserved amino acid residue located in a domain of the BRCA2 protein that is known to be functional. Appears to be deleterious using several in-silico pathogenicity prediction tools. Has been previously described in individuals with breast and/or ovarian cancer and prostate cancer (PMID: 10699917, 20104584, 20383589, 21232165, 25452441, 29335924, 29368341). Published functional studies have shown that this variant affects BRCA2 function (PMID: 18451181, 23108138, 25146914, 29394989, 29884841). Has not been described in population databases such as gnomAD v4 (dbSNP rs80359014). ClinVar contains an entry for this variant (Variation ID: 52430). Collectively, this evidence indicates that this variant is pathogenic.